The following is an entry in ClinVar:

NM_001384732.1(CPLANE1):c.3379T>G (p.Ser1127Ala)

Gene: CPLANE1 (ciliogenesis and planar polarity effector complex subunit 1; minus strand). Cytogenetic location: 5p13.2.
Variant type: single nucleotide variant.
Coding change: c.3379T>G on transcript NM_001384732.1 (MANE Select); coding-DNA position 3379, T replaced by G.
Protein change: p.Ser1127Ala; replaces serine 1127 with alanine.
Molecular consequence: missense variant.
Genome position (GRCh38, 1-based): chr5:37,201,719, A>C on the plus strand (T>G on the coding strand, the complement: CPLANE1 is on the minus strand). VCF-style: chr5-37201719-A-C. GRCh37 (hg19) VCF-style: chr5-37201821-A-C.
Other names: c.3379T>G, p.Ser1127Ala (NM_023073.4); short protein forms S1127A.
Identifiers: ClinVar variation 1423771 (VCV001423771.8), dbSNP rs776423792, ClinGen allele CA3238957.
Genomic context (GRCh38, chr5:37,201,719, plus strand): 5'-AGCCCCACAGTCTTTTACTGAAGTCCTTGGCAGAGTCTATCAGAAGTTGAAATGTCTCCG[A>C]AAGAATATCTGCATCGGCCATAACTGATGCTTTCAGTACTTCTTGTACTGAACCAAATAG-3'
Protein context (NP_001371661.1, residues 1117-1137): ASVMADADIL[Ser1127Ala]ETFQLLIDSA

ClinVar aggregate classification (germline): Uncertain significance. Review status: criteria provided, multiple submitters, no conflicts (2 of 4 stars). 3 submissions from 3 submitters: Uncertain significance (3). Last evaluated 2025-04-03.

Conditions:
Joubert syndrome 17 (JBTS17). Identifiers: Orphanet 475, MedGen C3553264, MONDO:0013824, OMIM 614615.
Orofaciodigital syndrome type 6 (OFD6). Also called: Oral-facial-digital syndrome type 6; Central polydactyly cleft lip/palate or lingual lump and psychomotor retardation; Y-shaped central metacarpal and cerebellar defect; Joubert syndrome with orofacialdigital anomalies; VARADI SYNDROME; VARADI-PAPP SYNDROME. Identifiers: Orphanet 2754, MedGen C2745997, MONDO:0010176, OMIM 277170.

Allele frequency attached by ClinVar (database versions not stated): ExAC 0.00001; gnomAD 0.00001; gnomAD exomes 0.00001; TOPMed 0.00001.
gnomAD v4.1: 7 of 1,614,044 alleles (0.00043%); highest among the groups gnomAD compares: Non-Finnish European, 0.00042%; no homozygotes.

Submissions (3):

3billion
Classification: Uncertain significance for Joubert syndrome 17. Last evaluated: 2025-04-03. Review status: criteria provided, single submitter. Criteria: ACMG Guidelines, 2015. Collection method: clinical testing. Allele origin: germline. Affected: yes.

Labcorp Genetics (formerly Invitae), Labcorp
Classification: Uncertain significance. Last evaluated: 2022-06-05. Review status: criteria provided, single submitter. Criteria: Invitae Variant Classification Sherloc (09022015). Collection method: clinical testing. Allele origin: germline.
Comment: This variant has not been reported in the literature in individuals affected with CPLANE1-related conditions. This sequence change replaces serine, which is neutral and polar, with alanine, which is neutral and non-polar, at codon 1127 of the CPLANE1 protein (p.Ser1127Ala). This variant is present in population databases (rs776423792, gnomAD 0.003%). ClinVar contains an entry for this variant (Variation ID: 1423771). Advanced modeling of protein sequence and biophysical properties (such as structural, functional, and spatial information, amino acid conservation, physicochemical variation, residue mobility, and thermodynamic stability) performed at Invitae indicates that this missense variant is not expected to disrupt CPLANE1 protein function. This variant disrupts the p.Ser1127 amino acid residue in CPLANE1. Other variant(s) that disrupt this residue have been determined to be pathogenic (PMID: 24178751, 31158925). This suggests that this residue is clinically significant, and that variants that disrupt this residue are likely to be disease-causing. In summary, the available evidence is currently insufficient to determine the role of this variant in disease. Therefore, it has been classified as a Variant of Uncertain Significance.

Fulgent Genetics
Classification: Uncertain significance for Orofaciodigital syndrome type 6; Joubert syndrome 17. Last evaluated: 2022-04-28. Review status: criteria provided, single submitter. Criteria: ACMG Guidelines, 2015. Collection method: clinical testing. Allele origin: unknown.

Literature cited by the submitters: PubMed 36233161 (cited by 3billion); PubMed 24178751 (cited by 3billion and Labcorp Genetics (formerly Invitae), Labcorp); PubMed 31158925 (cited by Labcorp Genetics (formerly Invitae), Labcorp).